The following is an entry in ClinVar:

ClinVar aggregate classification (germline): Conflicting classifications of pathogenicity. Review status: criteria provided, conflicting classifications (1 of 4 stars). 6 submissions from 6 submitters: Uncertain significance (1); Likely benign (3). 2 of the submissions do not count toward it. Last evaluated 2025-09-24.

Conditions:
DYNC1H1-related disorder. Also called: DYNC1H1-related condition; DYNC1H1-related disorders. Identifiers: MedGen CN381529.
Inborn genetic diseases. Identifiers: MedGen C0950123, MeSH D030342.
Charcot-Marie-Tooth disease axonal type 2O. Also called: Charcot-Marie-Tooth disease, axonal, type 20; CHARCOT-MARIE-TOOTH NEUROPATHY, AXONAL, TYPE 2O; CHARCOT-MARIE-TOOTH DISEASE, AXONAL, AUTOSOMAL DOMINANT, TYPE 2O; Charcot-Marie-Tooth Neuropathy Type 2O. Identifiers: Orphanet 284232, MedGen C3280220, MONDO:0013644, OMIM 614228.
Intellectual disability. Also called: Intellectual developmental disorder; Intellectual functioning disability; intellectual disabilities. Identifiers: MedGen C3714756, MeSH D008607, MONDO:0001071, HP:0001249.

Allele frequency attached by ClinVar (database versions not stated): gnomAD exomes 0.00004 and 0.00005; gnomAD 0.00005; TOPMed 0.00008; ExAC 0.00003; ESP Exome Variant Server 0.00008.
gnomAD v4.1: 76 of 1,614,010 alleles (0.0047%); highest among the groups gnomAD compares: Non-Finnish European, 0.0057%; no homozygotes.

Submissions (6):

Labcorp Genetics (formerly Invitae), Labcorp
Classification: Likely benign for Charcot-Marie-Tooth disease axonal type 2O. Last evaluated: 2025-09-24. Review status: criteria provided, single submitter. Criteria: Invitae Variant Classification Sherloc (09022015). Collection method: clinical testing. Allele origin: germline.

Ambry Genetics
Classification: Likely benign for Inborn genetic diseases. Last evaluated: 2023-03-20. Review status: criteria provided, single submitter. Criteria: Ambry Variant Classification Scheme 2023. Collection method: clinical testing. Allele origin: germline.

Athena Diagnostics
Classification: Uncertain significance. Last evaluated: 2017-05-03. Review status: criteria provided, single submitter. Criteria: Athena Diagnostics Criteria. Collection method: clinical testing. Allele origin: germline.

Genetic Services Laboratory, University of Chicago
Classification: Likely benign. Last evaluated: 2016-02-08. Review status: criteria provided, single submitter. Criteria: ACMG Guidelines, 2015. Collection method: clinical testing. Allele origin: germline. Affected: no.

PreventionGenetics, part of Exact Sciences
Classification: Likely benign for DYNC1H1-related condition. Last evaluated: 2024-09-04. Review status: no assertion criteria provided. Collection method: clinical testing. Allele origin: germline. Not counted in ClinVar's aggregate classification.
Comment: This variant is classified as likely benign based on ACMG/AMP sequence variant interpretation guidelines (Richards et al. 2015 PMID: 25741868, with internal and published modifications).

Centre de Biologie Pathologie Génétique, Centre Hospitalier Universitaire de Lille
Classification: Likely benign for Intellectual disability. Last evaluated: 2019-01-01. Review status: no assertion criteria provided. Collection method: clinical testing. Allele origin: inherited. Affected: yes. Not counted in ClinVar's aggregate classification.

Literature cited by the submitters: PubMed 26100331 (cited by Athena Diagnostics).

NM_001376.5(DYNC1H1):c.2737G>A (p.Val913Ile)

Gene: DYNC1H1 (dynein cytoplasmic 1 heavy chain 1; plus strand). Cytogenetic location: 14q32.31.
Variant type: single nucleotide variant.
Coding change: c.2737G>A on transcript NM_001376.5 (MANE Select); coding-DNA position 2737, G replaced by A.
Protein change: p.Val913Ile; replaces valine 913 with isoleucine.
Molecular consequence: missense variant.
Genome position (GRCh38, 1-based): chr14:101,988,721, G>A. VCF-style: chr14-101988721-G-A. GRCh37 (hg19) VCF-style: chr14-102455058-G-A.
Other names: short protein forms V913I.
Identifiers: ClinVar variation 434985 (VCV000434985.21), dbSNP rs372740994, ClinGen allele CA7351880.